The following is an entry in ClinVar:

NM_001042492.3(NF1):c.3310C>A (p.Leu1104Ile)

Gene: NF1 (neurofibromin 1; plus strand). Cytogenetic location: 17q11.2.
Variant type: single nucleotide variant.
Coding change: c.3310C>A on transcript NM_001042492.3 (MANE Select); coding-DNA position 3310, C replaced by A.
Protein change: p.Leu1104Ile; replaces leucine 1104 with isoleucine.
Molecular consequence: missense variant.
Genome position (GRCh38, 1-based): chr17:31,232,185, C>A. VCF-style: chr17-31232185-C-A. GRCh37 (hg19) VCF-style: chr17-29559203-C-A.
Other names: c.3310C>A, p.Leu1104Ile (NM_000267.4); short protein forms L1104I.
Identifiers: ClinVar variation 5025651 (VCV005025651.1).
Genomic context (GRCh38, chr17:31,232,185, plus strand): 5'-CCTCTGCAGCCTGAAGAAGGAGATGGTGTGGAATTGATGGAAGCCAAATCACAGTTATTT[C>A]TTAAGTAAATTTCAGTCACCAAAAAACATAAAGCAAAAAGCAAATAAAGCCCCCCACCAC-3'
Protein context (NP_001035957.1, residues 1094-1114): ELMEAKSQLF[Leu1104Ile]KYFTLFMNLL

ClinVar aggregate classification (germline): Uncertain significance (1 of 4 stars; one submission).

Conditions:
Cardiovascular phenotype. Identifiers: MedGen CN230736.
Hereditary cancer-predisposing syndrome. Also called: Neoplastic Syndromes, Hereditary; Tumor predisposition; Hereditary neoplastic syndrome; Hereditary Cancer Syndrome. Identifiers: Orphanet 140162, MedGen C0027672, MeSH D009386, MONDO:0015356.

Submission:

Ambry Genetics
Classification: Uncertain significance for Cardiovascular phenotype; Hereditary cancer-predisposing syndrome. Last evaluated: 2026-09-02. Review status: criteria provided, single submitter. Criteria: Ambry Variant Classification Scheme 2023. Collection method: clinical testing. Allele origin: germline.
Comment: The p.L1104I variant (also known as c.3310C>A), located in coding exon 25 of the NF1 gene, results from a C to A substitution at nucleotide position 3310. The leucine at codon 1104 is replaced by isoleucine, an amino acid with highly similar properties. This amino acid position is conserved. In addition, this alteration is predicted to be tolerated by in silico analysis. Based on the available evidence, the clinical significance of this variant remains unclear.